The following is an entry in ClinVar:

NM_001876.4(CPT1A):c.557A>G (p.Tyr186Cys)

Gene: CPT1A (carnitine palmitoyltransferase 1A; minus strand). Cytogenetic location: 11q13.3.
Variant type: single nucleotide variant.
Coding change: c.557A>G on transcript NM_001876.4 (MANE Select); coding-DNA position 557, A replaced by G.
Protein change: p.Tyr186Cys; replaces tyrosine 186 with cysteine.
Molecular consequence: missense variant.
Genome position (GRCh38, 1-based): chr11:68,799,354, T>C on the plus strand (A>G on the coding strand, the complement: CPT1A is on the minus strand). VCF-style: chr11-68799354-T-C. GRCh37 (hg19) VCF-style: chr11-68566822-T-C.
Other names: c.557A>G, p.Tyr186Cys (NM_001031847.3); short protein forms Y186C.
Identifiers: ClinVar variation 235685 (VCV000235685.4), dbSNP rs759188040, ClinGen allele CA6152620.

ClinVar aggregate classification (germline): Uncertain significance. Review status: criteria provided, single submitter (1 of 4 stars). 2 submissions from 2 submitters: Uncertain significance (1). 1 of the submissions does not count toward it. Last evaluated 2015-06-25.

Conditions:
Carnitine palmitoyl transferase 1A deficiency. Also called: Carnitine palmitoyltransferase 1A deficiency; CPT deficiency, hepatic, type IA; Carnitine palmitoyltransferase type I deficiency; CPT I DEFICIENCY; CPT DEFICIENCY, HEPATIC, TYPE I. Identifiers: Orphanet 156, MedGen C1829703, MONDO:0009705, OMIM 255120.

Allele frequency attached by ClinVar (database versions not stated): gnomAD exomes below 0.00001 and 0.00001; gnomAD 0.00001; TOPMed 0.00001; ExAC 0.00002.
gnomAD v4.1: 5 of 1,613,656 alleles (0.00031%); highest among the groups gnomAD compares: African/African-American, 0.0013%; no homozygotes.

Submissions (2):

Center for Pediatric Genomic Medicine, Children's Mercy Hospital and Clinics
Classification: Uncertain significance. Last evaluated: 2015-06-25. Review status: criteria provided, single submitter. Criteria: ACMG Guidelines, 2015. Collection method: clinical testing. Allele origin: germline.
ClinVar note: Converted during submission from Uncertain Significance to Uncertain significance.

Natera, Inc.
Classification: Uncertain significance for Carnitine palmitoyltransferase type I deficiency. Last evaluated: 2019-10-28. Review status: no assertion criteria provided. Collection method: clinical testing. Allele origin: germline. Not counted in ClinVar's aggregate classification.